The following is an entry in ClinVar:

NM_213607.3(DNAAF19):c.461A>C (p.His154Pro)

Gene: DNAAF19 (dynein axonemal assembly factor 19; plus strand). Cytogenetic location: 17q21.31.
Variant type: single nucleotide variant.
Coding change: c.461A>C on transcript NM_213607.3 (MANE Select); coding-DNA position 461, A replaced by C.
Protein change: p.His154Pro; replaces histidine 154 with proline.
Molecular consequence: missense variant. On other transcripts: 3 prime UTR variant (3).
Genome position (GRCh38, 1-based): chr17:44,902,549, A>C. VCF-style: chr17-44902549-A-C. GRCh37 (hg19) VCF-style: chr17-42979917-A-C.
Other names: NM_001258395.1(CCDC103):c.461A>C(p.His154Pro); NM_001258396.1(CCDC103):c.461A>C(p.His154Pro); NM_213607.2(CCDC103):c.461A>C(p.His154Pro); c.461A>C (NM_213607.1); c.461A>C, p.His154Pro (NM_001258395.2, NM_001258396.2); c.*211A>C (NM_001258397.3); c.*150A>C (NM_001258398.3, NM_001258399.2); short protein forms H154P.
Identifiers: ClinVar variation 31698 (VCV000031698.89), dbSNP rs145457535, ClinGen allele CA260050.

ClinVar aggregate classification (germline): Pathogenic/Likely pathogenic. Review status: criteria provided, multiple submitters, no conflicts (2 of 4 stars). 32 submissions from 32 submitters: Pathogenic (24); Likely pathogenic (5). 3 of the submissions do not count toward it. Last evaluated 2026-08-06.

Conditions:
Paediatric disorders.
Respiratory ciliopathies including non-CF bronchiectasis.
CCDC103-related disorder. Also called: CCDC103-related condition.
Fetal anomalies with a likely genetic cause.
DNAAF19-related condition.
Primary ciliary dyskinesia. Also called: Ciliary dyskinesia. Identifiers: Orphanet 244, MedGen C0008780, MONDO:0016575, HP:0012265.
Primary ciliary dyskinesia 17. Also called: CILIARY DYSKINESIA, PRIMARY, 17, WITH OR WITHOUT SITUS INVERSUS. Identifiers: Orphanet 244, MedGen C3542550, MONDO:0013854, OMIM 614679.
Infertility disorder. Also called: Infertility. Identifiers: MedGen C0021359, MeSH D007246, MONDO:0005047, HP:0000789.
Hereditary spastic paraplegia 50 (SPG50). Also called: Spastic paraplegia 50, autosomal recessive. Identifiers: Orphanet 280763, MedGen C2752008, MONDO:0013048, OMIM 612936.

Allele frequency attached by ClinVar (database versions not stated): 1000 Genomes Project 30x 0.00016; ESP Exome Variant Server 0.00100; TOPMed 0.00117; gnomAD exomes 0.00119; gnomAD 0.00123 and 0.00127; ExAC 0.00126.
gnomAD v4.1: 2,943 of 1,614,228 alleles (0.18%); highest among the groups gnomAD compares: South Asian, 0.3%; 1 homozygote.

Submissions 1 to 13 of 32:

OLLIN Analises Genomicas, OLLIN
Classification: Pathogenic for Primary ciliary dyskinesia 17. Last evaluated: 2026-08-06. Review status: criteria provided, single submitter. Criteria: ACMG Guidelines 2015 PMID 25741868. Collection method: clinical testing. Allele origin: germline. Inheritance: Autosomal recessive inheritance.
Comment: This missense variant, located in exon 4 (of 4), has been reported in ClinVar (accession VCV000031698.85), in gnomAD with an allele frequency of 0.18%, and in the scientific literature, segregating with the phenotype and in compound heterozygosity, in individuals with DNAAF19 related disorders (PMID: 22581229, 26123568, 27637300, 24357714, 30067075, 28790179). In silico analysis is inconclusive regarding the impact of this variant; however, functional studies suggest that it affects protein function (PMID: 22581229). According to the currently available evidence, this variant has been classified as pathogenic (PS3_P, PM3_S, PP1_S, BP4).

Genetics Laboratory, Great Ormond Street Hospital NHS Foundation Trust, North Thames Genomic Laboratory Hub
Classification: Pathogenic for Fetal anomalies with a likely genetic cause. Last evaluated: 2026-07-20. Review status: criteria provided, single submitter. Criteria: ACGS Best Practice Guidelines for Variant Classification in Rare Disease 2024 v1.2. Collection method: clinical testing. Allele origin: germline. Affected: yes.
Comment: BP4_supporting, PS3_supporting, PP1_strong, PM3_strong

PreventionGenetics, part of Exact Sciences
Classification: Likely pathogenic for DNAAF19-related condition. Last evaluated: 2026-06-04. Review status: criteria provided, single submitter. Criteria: ACMG Guidelines, 2015. Collection method: clinical testing. Allele origin: germline.
Comment: The DNAAF19 c.461A>C variant is predicted to result in the amino acid substitution p.His154Pro. This variant was found in the homozygous and compound heterozygous state in multiple individuals with primary ciliary dyskinesia (PCD) and laterality defects (Panizzi et al. 2012. PubMed ID: 22581229; Table S1, Zariwala et al. 2013. PubMed ID: 23891469; D'Andrea et al. 2013. PubMed ID: 24357714; Casey et al. 2015. PubMed ID: 26123568; Boaretto et al. 2016. PubMed ID: 27637300; Fassad et al. 2020. PubMed ID: 31879361; Burwick et al. 2021. PubMed ID: 32447765). Affected individuals had variable defects of the inner and outer dynein arms as well as defects in ciliary beating ranging from loss of beat coordination to complete ciliary paralysis (Panizzi et al. 2012. PubMed ID: 22581229; Zariwala et al. 2013. PubMed ID: 23891469). In one study, a homozygous DNAAF19 p.His154Pro variant was found in 19% (16/86) of South Asian patients with a clinical history of PCD; some patients with the homozygous DNAAF19 p.His154Pro variant may have normal nasal nitric oxide levels, ciliary beat pattern and frequency, and dynein arm retention despite showing similarly impacted lung function as the comparator group who have a confirmed absent dynein arms defect (Shoemark et al. 2017. PubMed ID: 28790179). Heterozygous carriers were not affected (Panizzi et al. 2012. PubMed ID: 22581229; D'Andrea et al. 2013. PubMed ID: 24357714; Casey et al. 2015. PubMed ID: 26123568). This variant is reported in 0.32% of alleles in individuals of South Asian descent in gnomAD and is classified as pathogenic and likely pathogenic in ClinVar (ClinVar ID: 31698). This variant is classified as likely pathogenic.

Labcorp Genetics (formerly Invitae), Labcorp
Classification: Pathogenic for Primary ciliary dyskinesia. Last evaluated: 2026-01-24. Review status: criteria provided, single submitter. Criteria: Invitae Variant Classification Sherloc (09022015). Collection method: clinical testing. Allele origin: germline.
Comment: This sequence change replaces histidine, which is basic and polar, with proline, which is neutral and non-polar, at codon 154 of the CCDC103 protein (p.His154Pro). This variant is present in population databases (rs145457535, gnomAD 0.3%), and has an allele count higher than expected for a pathogenic variant. This missense change has been observed in individual(s) with primary ciliary dyskinesia (PMID: 22581229, 23891469, 24357714, 26123568). It has also been observed to segregate with disease in related individuals. ClinVar contains an entry for this variant (Variation ID: 31698). An algorithm developed to predict the effect of missense changes on protein structure and function (PolyPhen-2) suggests that this variant is likely to be disruptive. Experimental studies have shown that this missense change affects CCDC103 function (PMID: 22581229). For these reasons, this variant has been classified as Pathogenic.

Variantyx, Inc.
Classification: Pathogenic for Primary ciliary dyskinesia 17. Last evaluated: 2025-11-20. Review status: criteria provided, single submitter. Criteria: Variantyx Assertion Criteria 2022. Collection method: clinical testing. Allele origin: germline. Inheritance: Autosomal recessive inheritance. Affected: no.
Comment: This is a nonsynonymous variant in the DNAAF19 gene (OMIM: 614677). Pathogenic variants in this gene have been associated with autosomal recessive primary ciliary dyskinesia 17. This variant has been reported in the homozygous or compound heterozygous state in several unrelated affected individuals (PMID: 27637300, 32447765, 36777727, 36777727 ) (PM3_Strong) and it has been observed to segregate with disease in at least 3 individuals from 2 families (PMID: 22581229 , 26123568) (PP1_Moderate). Functional studies have shown that this variant alters DNAAF19 protein function (PMID: 22581229, 28790179) (PS3), and multiple computational algorithms predict no functional impact for this variant (REVEL score: 0.243) (BP4). This variant has a 0.3008% maximum allele frequency in non-founder control populations. Based on the current evidence, this variant is classified as pathogenic for autosomal recessive primary ciliary dyskinesia 17.

First Genomix Gene Laboratory, Genetic Diagnostics Department
Classification: Pathogenic for Primary ciliary dyskinesia 17. Last evaluated: 2025-05-23. Review status: criteria provided, single submitter. Criteria: ACMG Guidelines, 2015. Collection method: clinical testing. Allele origin: germline. Inheritance: Autosomal recessive inheritance. Affected: no. Observed: 1 variant allele.

Revvity Omics, Revvity
Classification: Pathogenic for Primary ciliary dyskinesia 17. Last evaluated: 2025-05-09. Review status: criteria provided, single submitter. Criteria: ACMG Guidelines, 2015. Collection method: clinical testing. Allele origin: germline.

Blueprint Genetics
Classification: Pathogenic for CCDC103-related disorders. Last evaluated: 2024-11-26. Review status: criteria provided, single submitter. Criteria: ACMG Guidelines, 2015. Collection method: clinical testing. Allele origin: germline. Affected: yes. Observed: 5 variant alleles.

NHS Central & South Genomic Laboratory Hub
Classification: Pathogenic for Respiratory ciliopathies including non-CF bronchiectasis. Last evaluated: 2024-11-11. Review status: criteria provided, single submitter. Criteria: ACMG Guidelines, 2015. Collection method: clinical testing. Allele origin: germline. Affected: yes.

North West Genomic Laboratory Hub, Manchester University NHS Foundation Trust
Classification: Pathogenic for Paediatric disorders. Last evaluated: 2024-08-09. Review status: criteria provided, single submitter. Criteria: ACGS Best Practice Guidelines for Variant Classification in Rare Disease 2020. Collection method: clinical testing. Allele origin: germline. Affected: yes.
Comment: PS3_Mod PP1_Mod PM3_Str PM2_Mod

Genomic Medicine Center of Excellence, King Faisal Specialist Hospital and Research Centre
Classification: Likely pathogenic for Ciliary dyskinesia, primary, 17. Last evaluated: 2024-03-14. Review status: criteria provided, single submitter. Criteria: ACMG Guidelines, 2015. Collection method: clinical testing. Allele origin: germline.

Genomic Research Center, Shahid Beheshti University of Medical Sciences
Classification: Pathogenic for Primary ciliary dyskinesia 17. Last evaluated: 2024-02-12. Review status: criteria provided, single submitter. Criteria: ACMG Guidelines, 2015. Collection method: clinical testing. Allele origin: inherited. Affected: no. Observed: 1 variant allele.

Institute Of Molecular Biology And Genetics, Federal Almazov National Medical Research Centre
Classification: Pathogenic for Primary ciliary dyskinesia. Last evaluated: 2023-12-11. Review status: criteria provided, single submitter. Criteria: ACMG Guidelines, 2015. Collection method: clinical testing. Allele origin: germline. Affected: yes. Observed: 1 variant allele.
Comment: The variant has multiple records in ClinVar with pathogenic interpretation (Variation ID: 31698)